The following is an entry in ClinVar:

NM_003839.4(TNFRSF11A):c.1703_1704delinsAT (p.Arg568His)

Gene: TNFRSF11A (TNF receptor superfamily member 11a; plus strand). Cytogenetic location: 18q21.33.
Variant type: Indel.
Coding change: c.1703_1704delinsAT on transcript NM_003839.4 (MANE Select); coding-DNA positions 1703 to 1704, GC replaced by AT.
Protein change: p.Arg568His; replaces arginine 568 with histidine.
Molecular consequence: missense variant. On other transcripts: 3 prime UTR variant (1).
Genome position (GRCh38, 1-based): chr18:62,384,886-62,384,887, GC replaced by AT. VCF-style: chr18-62384886-GC-AT. GRCh37 (hg19) VCF-style: chr18-60052119-GC-AT.
Other names: c.*127_*128delinsAT (NM_001270949.2); c.866_867delinsAT, p.Arg289His (NM_001270950.2); c.752_753delinsAT, p.Arg251His (NM_001270951.2); c.1661_1662delinsAT, p.Arg554His (NM_001278268.2); short protein forms R289H, R568H, R554H, R251H.
Identifiers: ClinVar variation 2000237 (VCV002000237.4), dbSNP rs2511620993, ClinGen allele CA2580095991.
Genomic context (GRCh38, chr18:62,384,886, plus strand): 5'-TGGTCTACGTCAGCCAGACCTCGCAGGAGGGCGCGGCGGCGGCTGCGGAGCCCATGGGCC[GC>AT]CCGGTGCAGGAGGAGACCCTGGCGCGCCGAGACTCCTTCGCGGGGAACGGCCCGCGCTTC-3'
Protein context (NP_003830.1, residues 558-578): GAAAAAEPMG[Arg568His]PVQEETLARR

ClinVar aggregate classification (germline): Uncertain significance (1 of 4 stars; one submission).

Submission:

Labcorp Genetics (formerly Invitae), Labcorp
Classification: Uncertain significance. Last evaluated: 2022-05-29. Review status: criteria provided, single submitter. Criteria: Invitae Variant Classification Sherloc (09022015). Collection method: clinical testing. Allele origin: germline.
Comment: This variant has not been reported in the literature in individuals affected with TNFRSF11A-related conditions. This sequence change replaces arginine, which is basic and polar, with histidine, which is basic and polar, at codon 568 of the TNFRSF11A protein (p.Arg568His). Information on the frequency of this variant in the gnomAD database is not available, as this variant may be reported differently in the database. Algorithms developed to predict the effect of missense changes on protein structure and function are either unavailable or do not agree on the potential impact of this missense change (SIFT: "Not Available"; PolyPhen-2: "Benign"; Align-GVGD: "Not Available"). In summary, the available evidence is currently insufficient to determine the role of this variant in disease. Therefore, it has been classified as a Variant of Uncertain Significance.